The following is an entry in ClinVar:

ClinVar aggregate classification (germline): Pathogenic (1 of 4 stars; one submission).

Conditions:
Bardet-Biedl syndrome (BBS). Identifiers: Orphanet 110, MedGen C0752166, MONDO:0015229.

Submission:

Labcorp Genetics (formerly Invitae), Labcorp
Classification: Pathogenic for Bardet-Biedl syndrome. Last evaluated: 2019-10-12. Review status: criteria provided, single submitter. Criteria: Invitae Variant Classification Sherloc (09022015). Collection method: clinical testing. Allele origin: germline.
Comment: A gross deletion of the genomic region encompassing the full coding sequence of the TRIM32 gene has been identified. The boundaries of this event are unknown as the deletion extends beyond the assayed region for this gene and therefore may encompass additional genes. Similar deletions have been observed in homozygosity or compound heterozygosity in individuals affected with limb girdle muscular dystrophy (PMID: 25351777, 23541687). Loss-of-function variants in TRIM32 are known to be pathogenic (PMID: 23541687). For these reasons, this variant has been classified as Pathogenic.

Literature cited by the submitters: PubMed 23541687; PubMed 25351777.

NC_000009.12:g.(?_116618324)_(116805820_?)del

Genes: ASTN2 (astrotactin 2; minus strand), TRIM32 (tripartite motif containing 32; plus strand). Cytogenetic location: 9q33.1.
Variant type: Deletion.
Identifiers: ClinVar variation 832633 (VCV000832633.1).